The following is an entry in ClinVar:

NM_000038.6(APC):c.5963_5964del (p.Lys1988fs)

Gene: APC (APC regulator of Wnt signaling pathway; plus strand). Cytogenetic location: 5q22.2.
Variant type: Deletion.
Coding change: c.5963_5964del on transcript NM_000038.6 (MANE Select); coding-DNA positions 5963 to 5964, 2 bases deleted (AA; older notation c.5963_5964delAA).
Protein change: p.Lys1988fs; shifts the reading frame from lysine 1988.
Molecular consequence: frameshift variant.
Genome position (GRCh38, 1-based): chr5:112,841,557-112,841,558, AA deleted; deleting any 2 consecutive bases within chr5:112,841,556-112,841,558 gives the same sequence; the c. name uses the placement nearest the transcript's 3' end. VCF-style (leftmost placement, unchanged base first): chr5-112841555-CAA-C. GRCh37 (hg19) VCF-style: chr5-112177252-CAA-C.
Other names: c.5963_5964del, p.Lys1988fs (NM_001127510.3, NM_001354895.2); c.5909_5910del, p.Lys1970fs (NM_001127511.3); c.6017_6018del, p.Lys2006fs (NM_001354896.2); c.5993_5994del, p.Lys1998fs (NM_001354897.2); c.5888_5889del, p.Lys1963fs (NM_001354898.2); c.5879_5880del, p.Lys1960fs (NM_001354899.2); c.5840_5841del, p.Lys1947fs (NM_001354900.2); c.5786_5787del, p.Lys1929fs (NM_001354901.2); and 5 more; short protein forms K1828fs, K1897fs, K1947fs, K1998fs, K1705fs, K1929fs, K1960fs, K1862fs.
Identifiers: ClinVar variation 1457708 (VCV001457708.8), dbSNP rs758682585, ClinGen allele CA043515.

ClinVar aggregate classification (germline): Pathogenic (1 of 4 stars; one submission).

Conditions:
Familial adenomatous polyposis 1 (FAP1). Also called: POLYPOSIS, ADENOMATOUS INTESTINAL; FAMILIAL ADENOMATOUS POLYPOSIS 1, ATTENUATED. Identifiers: MedGen C2713442, MONDO:0021056, OMIM 175100. Disease mechanism: loss of function.

Submission:

Labcorp Genetics (formerly Invitae), Labcorp
Classification: Pathogenic for Familial adenomatous polyposis 1. Last evaluated: 2022-07-06. Review status: criteria provided, single submitter. Criteria: Invitae Variant Classification Sherloc (09022015). Collection method: clinical testing. Allele origin: germline.
Comment: This variant has not been reported in the literature in individuals affected with APC-related conditions. This variant is present in population databases (rs758682585, gnomAD 0.0009%). This sequence change creates a premature translational stop signal (p.Lys1988Argfs*3) in the APC gene. While this is not anticipated to result in nonsense mediated decay, it is expected to disrupt the last 856 amino acid(s) of the APC protein. ClinVar contains an entry for this variant (Variation ID: 1457708). For these reasons, this variant has been classified as Pathogenic. A different truncation (p.Tyr2645Lysfs*14) that lies downstream of this variant has been determined to be pathogenic (PMID: 9824584, 1316610, 27081525, 8381579, 22135120, Invitae). This suggests that deletion of this region of the APC protein is causative of disease. This variant is expected to disrupt the EB1 and HDLG binding sites, which mediate interactions with the cytoskeleton (PMID: 15311282, 17293347). While functional studies have not been performed to directly test the effect on APC protein function, this suggests that disruption of the C-terminal portion of the protein is functionally important.

Literature cited by the submitters: PubMed 9824584; PubMed 1316610; PubMed 27081525; PubMed 8381579; PubMed 22135120; PubMed 15311282; PubMed 17293347.